The following is an entry in ClinVar:

NM_024009.3(GJB3):c.99G>A (p.Val33=)

Gene: GJB3 (gap junction protein beta 3; plus strand). Cytogenetic location: 1p34.3.
Variant type: single nucleotide variant.
Coding change: c.99G>A on transcript NM_024009.3 (MANE Select); coding-DNA position 99, G replaced by A.
Protein change: p.Val33=; no amino-acid change (valine 33 retained).
Molecular consequence: synonymous variant.
Genome position (GRCh38, 1-based): chr1:34,784,861, G>A. VCF-style: chr1-34784861-G-A. GRCh37 (hg19) VCF-style: chr1-35250462-G-A.
Other names: c.99G>A, p.Val33= (NM_001005752.2).
Identifiers: ClinVar variation 179079 (VCV000179079.7), dbSNP rs727504610, ClinGen allele CA183683.

ClinVar aggregate classification (germline): Likely benign. Review status: criteria provided, multiple submitters, no conflicts (2 of 4 stars). 2 submissions from 2 submitters: Likely benign (2). Last evaluated 2025-06-09.

Allele frequency attached by ClinVar (database versions not stated): gnomAD exomes 0.00001 and 0.00002; TOPMed 0.00007; ExAC 0.00002; gnomAD 0.00006 and 0.00005.
gnomAD v4.1: 17 of 1,614,092 alleles (0.0011%); highest among the groups gnomAD compares: African/African-American, 0.02%; no homozygotes.

Submissions (2):

Labcorp Genetics (formerly Invitae), Labcorp
Classification: Likely benign. Last evaluated: 2025-06-09. Review status: criteria provided, single submitter. Criteria: Invitae Variant Classification Sherloc (09022015). Collection method: clinical testing. Allele origin: germline.

Laboratory for Molecular Medicine, Mass General Brigham Personalized Medicine
Classification: Likely benign. Last evaluated: 2013-07-17. Review status: criteria provided, single submitter. Criteria: LMM Criteria. Collection method: clinical testing. Allele origin: germline. Observed: 1 variant allele.
Comment: Val33Val in Exon 2 of GJB3: This variant is not expected to have clinical signif icance because it does not alter an amino acid residue and is not located within the splice consensus sequence.